The following is an entry in ClinVar:

NM_000179.3(MSH6):c.1636G>T (p.Glu546Ter)

Gene: MSH6 (mutS homolog 6; plus strand). Cytogenetic location: 2p16.3.
Variant type: single nucleotide variant.
Coding change: c.1636G>T on transcript NM_000179.3 (MANE Select); coding-DNA position 1636, G replaced by T.
Protein change: p.Glu546Ter; replaces glutamic acid 546 with a stop codon.
Molecular consequence: nonsense.
Genome position (GRCh38, 1-based): chr2:47,799,619, G>T. VCF-style: chr2-47799619-G-T. GRCh37 (hg19) VCF-style: chr2-48026758-G-T.
Other names: c.1339G>T, p.Glu447Ter (NM_001406822.1, NM_001406818.1, NM_001406819.1 and 10 more transcripts); c.730G>T, p.Glu244Ter (NM_001406823.1, NM_001281493.2, NM_001281494.2 and 6 more transcripts); c.1246G>T, p.Glu416Ter (NM_001281492.2); c.1732G>T, p.Glu578Ter (NM_001406795.1, NM_001406802.1); c.1636G>T, p.Glu546Ter (NM_001406796.1, NM_001406798.1, NM_001406800.1 and 3 more transcripts); c.1111G>T, p.Glu371Ter (NM_001406799.1, NM_001406806.1, NM_001406807.1); c.1558G>T, p.Glu520Ter (NM_001406804.1); c.1642G>T, p.Glu548Ter (NM_001406813.1); and 1 more; short protein forms E244*, E578*, E371*, E490*, E520*, E548*, E416*, E546*.
Identifiers: ClinVar variation 1776943 (VCV001776943.2), dbSNP rs63751172, ClinGen allele CA346747185.
Genomic context (GRCh38, chr2:47,799,619, plus strand): 5'-GTGCTGGAAGGTGATCCCTCTGAGAACTACAGTAAGTATCTTCTTAGCCTCAAAGAAAAA[G>T]AGGAAGATTCTTCTGGCCATACTCGTGCATATGGTGTGTGCTTTGTTGATACTTCACTGG-3'

ClinVar aggregate classification (germline): Pathogenic (1 of 4 stars; one submission).

Conditions:
Hereditary cancer-predisposing syndrome. Also called: Neoplastic Syndromes, Hereditary; Tumor predisposition; Hereditary Cancer Syndrome; Hereditary neoplastic syndrome. Identifiers: Orphanet 140162, MedGen C0027672, MeSH D009386, MONDO:0015356.

Submission:

Ambry Genetics
Classification: Pathogenic for Hereditary cancer-predisposing syndrome. Last evaluated: 2020-02-04. Review status: criteria provided, single submitter. Criteria: Ambry Variant Classification Scheme 2023. Collection method: clinical testing. Allele origin: germline.
Comment: The p.E546* pathogenic mutation (also known as c.1636G>T), located in coding exon 4 of the MSH6 gene, results from a G to T substitution at nucleotide position 1636. This changes the amino acid from a glutamic acid to a stop codon within coding exon 4. This alteration is expected to result in loss of function by premature protein truncation or nonsense-mediated mRNA decay. As such, this alteration is interpreted as a disease-causing mutation.

Literature cited by the submitters: PubMed 23047549; PubMed 28176205.